The following is an entry in ClinVar:

ClinVar aggregate classification (germline): Likely benign (1 of 4 stars; one submission).

gnomAD v4.1: 3,853 of 1,333,770 alleles (0.29%); highest among the groups gnomAD compares: Middle Eastern, 0.4%; 242 homozygotes.

Submission:

CeGaT Center for Human Genetics Tuebingen
Classification: Likely benign. Last evaluated: 2025-06-01. Review status: criteria provided, single submitter. Criteria: CeGaT Center For Human Genetics Tuebingen Variant Classification Criteria Version 2. Collection method: clinical testing. Allele origin: germline. Affected: yes. Observed: 1 variant allele.
Comment: FAM90A20: BS2

NM_001423532.1(FAM90A20):c.1157A>G (p.His386Arg)

Gene: FAM90A20 (family with sequence similarity 90 member A20). Cytogenetic location: 8p23.1.
Variant type: single nucleotide variant.
Coding change: c.1157A>G on transcript NM_001423532.1 (MANE Select); coding-DNA position 1157, A replaced by G.
Protein change: p.His386Arg; replaces histidine 386 with arginine.
Molecular consequence: missense variant.
Genome position (GRCh38, 1-based): chr8:7,297,786, A>G. VCF-style: chr8-7297786-A-G. GRCh37 (hg19) VCF-style: chr8-7155308-A-G.
Other names: short protein forms H386R.
Identifiers: ClinVar variation 3904942 (VCV003904942.10).